The following is an entry in ClinVar:

ClinVar aggregate classification (germline): Benign/Likely benign (0 of 4 stars; one submission).

Submission:

GeneDx
Classification: Benign/Likely benign. Last evaluated: 2011-04-30. Review status: no assertion criteria provided. Collection method: clinical testing. Allele origin: not provided. Affected: yes. Observed: 6 variant alleles. Clinical features observed: Developmental delay AND/OR other significant developmental or morphological phenotypes.
Comment: Likely benign (2), Benign (4)

GRCh38/hg38 16q24.3(chr16:89593912-89623414)x3

Genes: CPNE7 (copine 7; plus strand), DPEP1 (dipeptidase 1; plus strand). Cytogenetic location: 16q24.3.
Variant type: copy number gain.
Change: copy number 3 (three copies instead of two) of chr16:89,593,912-89,623,414 (29.5 kb, GRCh38 coordinates, 1-based), cytogenetic band 16q24.3.
Identifiers: ClinVar variation 151822 (VCV000151822.1).